The following is an entry in ClinVar:

NM_000059.4(BRCA2):c.2014A>G (p.Arg672Gly)

Gene: BRCA2 (BRCA2 DNA repair associated; plus strand). Cytogenetic location: 13q13.1.
Variant type: single nucleotide variant.
Coding change: c.2014A>G on transcript NM_000059.4 (MANE Select); coding-DNA position 2014, A replaced by G.
Protein change: p.Arg672Gly; replaces arginine 672 with glycine.
Molecular consequence: missense variant.
Genome position (GRCh38, 1-based): chr13:32,336,369, A>G. VCF-style: chr13-32336369-A-G. GRCh37 (hg19) VCF-style: chr13-32910506-A-G.
Other names: p.R672G:AGA>GGA; short protein forms R672G.
Identifiers: ClinVar variation 141308 (VCV000141308.23), dbSNP rs587781647, ClinGen allele CA014119.

ClinVar aggregate classification (germline): Conflicting classifications of pathogenicity. Review status: criteria provided, conflicting classifications (1 of 4 stars). 7 submissions from 7 submitters: Uncertain significance (5); Likely benign (2). Last evaluated 2025-09-22.

Conditions:
Hereditary cancer-predisposing syndrome. Also called: Neoplastic Syndromes, Hereditary; Tumor predisposition; Hereditary Cancer Syndrome; Hereditary neoplastic syndrome. Identifiers: Orphanet 140162, MedGen C0027672, MeSH D009386, MONDO:0015356.
Hereditary breast ovarian cancer syndrome. Also called: Breast and ovarian cancer; Hereditary breast and ovarian cancer; Hereditary breast and/or ovarian cancer syndrome; BRCA1- and BRCA2-Associated Hereditary Breast and Ovarian Cancer; Hereditary breast and ovarian cancer syndrome; Hereditary breast and ovarian cancer syndrome (HBOC). Identifiers: Orphanet 145, MedGen C0677776, MeSH D061325, MONDO:0003582. Disease mechanism: loss of function.

Allele frequency attached by ClinVar (database versions not stated): TOPMed below 0.00001; ExAC 0.00001; gnomAD 0.00001; gnomAD exomes 0.00001.
gnomAD v4.1: 11 of 1,610,410 alleles (0.00068%); highest among the groups gnomAD compares: South Asian, 0.0011%; no homozygotes.

Submissions (7):

Labcorp Genetics (formerly Invitae), Labcorp
Classification: Uncertain significance for Hereditary breast ovarian cancer syndrome. Last evaluated: 2025-09-22. Review status: criteria provided, single submitter. Criteria: Invitae Variant Classification Sherloc (09022015). Collection method: clinical testing. Allele origin: germline.
Comment: This sequence change replaces arginine, which is basic and polar, with glycine, which is neutral and non-polar, at codon 672 of the BRCA2 protein (p.Arg672Gly). This variant is present in population databases (rs587781647, gnomAD 0.003%). This missense change has been observed in individual(s) with breast and/or ovarian cancer, and endometrial cancer (PMID: 27443514, 32438681). ClinVar contains an entry for this variant (Variation ID: 141308). Invitae Evidence Modeling of protein sequence and biophysical properties (such as structural, functional, and spatial information, amino acid conservation, physicochemical variation, residue mobility, and thermodynamic stability) indicates that this missense variant is not expected to disrupt BRCA2 protein function with a negative predictive value of 95%. In summary, the available evidence is currently insufficient to determine the role of this variant in disease. Therefore, it has been classified as a Variant of Uncertain Significance.

Ambry Genetics
Classification: Uncertain significance for Hereditary cancer-predisposing syndrome. Last evaluated: 2025-05-22. Review status: criteria provided, single submitter. Criteria: Ambry Variant Classification Scheme 2023. Collection method: clinical testing. Allele origin: germline.
Comment: The p.R672G variant (also known as c.2014A>G), located in coding exon 10 of the BRCA2 gene, results from an A to G substitution at nucleotide position 2014. The arginine at codon 672 is replaced by glycine, an amino acid with dissimilar properties. This variant was detected in 1/2351 individuals diagnosed with breast and/or ovarian cancer (Santonocito C et al. Cancers (Basel), 2020 May;12:). This alteration has also been detected in a cohort of 381 unselected individuals diagnosed with endometrial cancer (Ring KL et al. Mod. Pathol., 2016 11;29:1381-1389). This amino acid position is poorly conserved in available vertebrate species. In addition, this alteration is predicted to be tolerated by in silico analysis. Based on the available evidence, the clinical significance of this variant remains unclear.

University of Washington Department of Laboratory Medicine, University of Washington
Classification: Likely benign for Hereditary cancer-predisposing syndrome. Last evaluated: 2023-03-23. Review status: criteria provided, single submitter. Criteria: Dines et al. (Genet Med. 2020). Collection method: curation. Allele origin: germline.
Comment: Missense variant in a coldspot region where missense variants are very unlikely to be pathogenic (PMID:31911673).

BRCA2 exon 11 coldspot. Reclassification based on statistical prior probability.

Quest Diagnostics Nichols Institute San Juan Capistrano
Classification: Uncertain significance. Last evaluated: 2022-12-12. Review status: criteria provided, single submitter. Criteria: Quest Diagnostics criteria. Collection method: clinical testing. Allele origin: unknown.
Comment: The frequency of this variant in the general population, 0.000012 (3/248450 chromosomes), is uninformative in assessment of its pathogenicity. In the published literature, the variant has been reported in individuals with a personal and/or family history of breast and/or ovarian cancer (PMIDs: 32438681 (2020) and 33471991 (2021)), as well as individuals with endometrial cancer (PMID: 27443514 (2016)). Analysis of this variant using bioinformatics tools for the prediction of the effect of amino acid changes on protein structure and function yielded predictions that this variant is benign. Based on the available information, we are unable to determine the clinical significance of this variant.

Women's Health and Genetics/Laboratory Corporation of America, LabCorp
Classification: Uncertain significance. Last evaluated: 2021-04-11. Review status: criteria provided, single submitter. Criteria: LabCorp Variant Classification Summary - May 2015. Collection method: clinical testing. Allele origin: germline.
Comment: Variant summary: BRCA2 c.2014A>G (p.Arg672Gly) results in a non-conservative amino acid change in the encoded protein sequence. Four of five in-silico tools predict a benign effect of the variant on protein function. The variant allele was found at a frequency of 1.2e-05 in 248450 control chromosomes. The available data on variant occurrences in the general population are insufficient to allow any conclusion about variant significance. c.2014A>G has been reported in the literature in individuals affected with endometrial and/or breast cancer undergoing multigene panel testing (example, Ring_2016, Santonocito_2020). These report(s) do not provide unequivocal conclusions about association of the variant with Hereditary Breast And Ovarian Cancer Syndrome. To our knowledge, no experimental evidence demonstrating an impact on protein function has been reported. Three clinical diagnostic laboratories have submitted clinical-significance assessments for this variant to ClinVar after 2014 with conflicting assessments (VUS, n=2; likely benign, n=1). Some submitters cite overlapping evidence utilized in the context of this evaluation. Based on the evidence outlined above, the variant was classified as uncertain significance.

Color Diagnostics, LLC DBA Color Health
Classification: Likely benign for Hereditary cancer-predisposing syndrome. Last evaluated: 2016-04-18. Review status: criteria provided, single submitter. Criteria: ACMG Guidelines, 2015. Collection method: clinical testing. Allele origin: germline.

GeneDx
Classification: Uncertain significance. Last evaluated: 2014-10-01. Review status: criteria provided, single submitter. Criteria: GeneDx Variant Classification (06012015). Collection method: clinical testing. Allele origin: germline. Affected: yes.
Comment: This variant is denoted BRCA2 c.2014A>G at the cDNA level, p.Arg672Gly (R672G) at the protein level, and results in the change of an Arginine to a Glycine (AGA>GGA). This variant has not, to our knowledge, been published in the literature as pathogenic or benign. BRCA2 Arg672Gly was not observed in approximately 6,500 individuals of European and African American ancestry in the NHLBI Exome Sequencing Project, indicating it is not a common benign variant in these populations. Since Arginine and Glycine differ in polarity, charge, size or other properties, this is considered a non-conservative amino acid substitution. BRCA2 Arg672Gly occurs at a position that is variable across mammals and is located in the Interaction with NPM1 region (UniProt). In silico analyses predict that this variant is unlikely to alter protein structure or function. Based on currently available information, it is unclear whether BRCA2 Arg672Gly is pathogenic or benign. We consider it to be a variant of uncertain significance.

Literature cited by the submitters: PubMed 27443514 (cited by 4 submitters); PubMed 32438681 (cited by 4 submitters); PubMed 29884841 (cited by Ambry Genetics and Quest Diagnostics Nichols Institute San Juan Capistrano); PubMed 33471991 (cited by Quest Diagnostics Nichols Institute San Juan Capistrano).